The following is an entry in ClinVar:

ClinVar aggregate classification (germline): Uncertain significance (1 of 4 stars; one submission).

Conditions:
3-methylcrotonyl-CoA carboxylase 1 deficiency (MCC1D). Also called: MCC 1 deficiency; 3 Alpha methylcrotonylglycinuria 1; MCCD TYPE 1; METHYLCROTONYLGLYCINURIA TYPE I. Identifiers: Orphanet 6, MedGen CN028786, MONDO:0008861, OMIM 210200.

Submission:

Labcorp Genetics (formerly Invitae), Labcorp
Classification: Uncertain significance for 3-methylcrotonyl-CoA carboxylase 1 deficiency. Last evaluated: 2022-08-06. Review status: criteria provided, single submitter. Criteria: Invitae Variant Classification Sherloc (09022015). Collection method: clinical testing. Allele origin: germline.
Comment: In summary, the available evidence is currently insufficient to determine the role of this variant in disease. Therefore, it has been classified as a Variant of Uncertain Significance. Algorithms developed to predict the effect of missense changes on protein structure and function (SIFT, PolyPhen-2, Align-GVGD) all suggest that this variant is likely to be tolerated. This variant has not been reported in the literature in individuals affected with MCCC1-related conditions. This variant is not present in population databases (gnomAD no frequency). This sequence change replaces histidine, which is basic and polar, with leucine, which is neutral and non-polar, at codon 380 of the MCCC1 protein (p.His380Leu).

NM_020166.5(MCCC1):c.1139A>T (p.His380Leu)

Gene: MCCC1 (methylcrotonyl-CoA carboxylase subunit 1; minus strand). Cytogenetic location: 3q27.1.
Variant type: single nucleotide variant.
Coding change: c.1139A>T on transcript NM_020166.5 (MANE Select); coding-DNA position 1139, A replaced by T.
Protein change: p.His380Leu; replaces histidine 380 with leucine.
Molecular consequence: missense variant. On other transcripts: non-coding transcript variant (2).
Genome position (GRCh38, 1-based): chr3:183,041,695, T>A on the plus strand (A>T on the coding strand, the complement: MCCC1 is on the minus strand). VCF-style: chr3-183041695-T-A. GRCh37 (hg19) VCF-style: chr3-182759483-T-A.
Other names: c.788A>T, p.His263Leu (NM_001293273.2); c.812A>T, p.His271Leu (NM_001363880.1); short protein forms H263L, H271L, H380L.
Identifiers: ClinVar variation 1715386 (VCV001715386.5), dbSNP rs794727036, ClinGen allele CA355323172.